The following is an entry in ClinVar:

ClinVar aggregate classification (germline): Uncertain significance (1 of 4 stars; one submission).

Submission:

GeneDx
Classification: Uncertain significance. Last evaluated: 2025-07-11. Review status: criteria provided, single submitter. Criteria: GeneDx Variant Classification Process June 2021. Collection method: clinical testing. Allele origin: germline. Affected: yes.
Comment: Not observed at significant frequency in large population cohorts (gnomAD); In silico analysis supports that this missense variant has a deleterious effect on protein structure/function; Has not been previously published as pathogenic or benign to our knowledge; This substitution is predicted to be within the N-terminal cytoplasmic domain

NM_001165963.4(SCN1A):c.82C>G (p.Arg28Gly)

Gene: SCN1A (sodium voltage-gated channel alpha subunit 1; minus strand). Cytogenetic location: 2q24.3.
Variant type: single nucleotide variant.
Coding change: c.82C>G on transcript NM_001165963.4 (MANE Select); coding-DNA position 82, C replaced by G.
Protein change: p.Arg28Gly; replaces arginine 28 with glycine.
Molecular consequence: missense variant. On other transcripts: 5 prime UTR variant (1), non-coding transcript variant (1).
Genome position (GRCh38, 1-based): chr2:166,073,540, G>C on the plus strand (C>G on the coding strand, the complement: SCN1A is on the minus strand). VCF-style: chr2-166073540-G-C. GRCh37 (hg19) VCF-style: chr2-166930050-G-C.
Other names: c.82C>G, p.Arg28Gly (NM_001165964.3, NM_001202435.3, NM_001353948.2 and 10 more transcripts); c.-2344C>G (NM_001353961.2); short protein forms R28G.
Identifiers: ClinVar variation 4685193 (VCV004685193.1).